The following is an entry in ClinVar:

NM_024426.6(WT1):c.1140C>A (p.Ala380=)

Gene: WT1 (WT1 transcription factor; minus strand). Cytogenetic location: 11p13.
Variant type: single nucleotide variant.
Coding change: c.1140C>A on transcript NM_024426.6 (MANE Select); coding-DNA position 1140, C replaced by A.
Protein change: p.Ala380=; no amino-acid change (alanine 380 retained).
Molecular consequence: synonymous variant. On other transcripts: 5 prime UTR variant (1), non-coding transcript variant (2).
Genome position (GRCh38, 1-based): chr11:32,396,381, G>T on the plus strand (C>A on the coding strand, the complement: WT1 is on the minus strand). VCF-style: chr11-32396381-G-T. GRCh37 (hg19) VCF-style: chr11-32417927-G-T.
Other names: c.1089C>A, p.Ala363= (NM_000378.6, NM_001407045.1, NM_001407048.1 and 1 more transcripts); c.489C>A, p.Ala163= (NM_001198551.2); c.438C>A, p.Ala146= (NM_001198552.2); c.-49C>A (NM_001367854.1); c.1134C>A, p.Ala378= (NM_001407044.1); c.1140C>A, p.Ala380= (NM_001407046.1, NM_024424.5); c.1017C>A, p.Ala339= (NM_001407047.1); c.966C>A, p.Ala322= (NM_001407050.1); and 2 more.
Identifiers: ClinVar variation 543145 (VCV000543145.16), dbSNP rs147126640, ClinGen allele CA064282.

ClinVar aggregate classification (germline): Likely benign. Review status: criteria provided, multiple submitters, no conflicts (2 of 4 stars). 4 submissions from 4 submitters: Likely benign (4). Last evaluated 2025-12-30.

Conditions:
Inborn genetic diseases. Identifiers: MedGen C0950123, MeSH D030342.
Wilms tumor 1 (WT1). Also called: Wilms tumor, somatic. Identifiers: Orphanet 654, MedGen CN033288, MONDO:0008679, OMIM 194070.
11p partial monosomy syndrome (WAGR). Also called: CHROMOSOME 11p13 DELETION SYNDROME; WAGR Spectrum Disorder; WAGR syndrome; WAGR Complex. Identifiers: Orphanet 893, MedGen C0206115, MONDO:0008681, OMIM 194072.
Frasier syndrome. Identifiers: Orphanet 347, MedGen C0950122, MeSH D052159, MONDO:0007635, OMIM 136680.
Drash syndrome (DDS). Also called: NEPHROPATHY, WILMS TUMOR, AND GENITAL ANOMALIES; WILMS TUMOR AND PSEUDO- OR TRUE HERMAPHRODITISM. Identifiers: Orphanet 220, MedGen C0950121, MONDO:0008682, OMIM 194080.

Allele frequency attached by ClinVar (database versions not stated): gnomAD 0.00007 and 0.00008; TOPMed 0.00010; ESP Exome Variant Server 0.00015.
gnomAD v4.1: 16 of 1,613,974 alleles (0.00099%); highest among the groups gnomAD compares: African/African-American, 0.019%; no homozygotes.

Submissions (4):

Labcorp Genetics (formerly Invitae), Labcorp
Classification: Likely benign for Wilms tumor 1; Drash syndrome; 11p partial monosomy syndrome; Frasier syndrome. Last evaluated: 2025-12-30. Review status: criteria provided, single submitter. Criteria: Invitae Variant Classification Sherloc (09022015). Collection method: clinical testing. Allele origin: germline.

Ambry Genetics
Classification: Likely benign for Inborn genetic diseases. Last evaluated: 2024-08-21. Review status: criteria provided, single submitter. Criteria: Ambry Variant Classification Scheme 2023. Collection method: clinical testing. Allele origin: germline.

All of Us Research Program, National Institutes of Health
Classification: Likely benign for Wilms tumor 1. Last evaluated: 2023-11-20. Review status: criteria provided, single submitter. Criteria: ACMG Guidelines, 2015. Collection method: clinical testing. Allele origin: germline. Inheritance: Autosomal dominant inheritance. Observed: 6 variant alleles, 6 heterozygotes.
Comment: This study involves interpretation of variants in research participants for the purpose of population health screening. Participant phenotype was not available at the time of variant classification. Additional details can be found in publication PMID: 35346344, PMCID: PMC8962531

Color Diagnostics, LLC DBA Color Health
Classification: Likely benign for Wilms tumor 1. Last evaluated: 2023-06-28. Review status: criteria provided, single submitter. Criteria: ACMG Guidelines, 2015. Collection method: clinical testing. Allele origin: germline.